The following is an entry in ClinVar:

NM_021076.4(NEFH):c.2200G>A (p.Glu734Lys)

Gene: NEFH (neurofilament heavy chain; plus strand). Cytogenetic location: 22q12.2.
Variant type: single nucleotide variant.
Coding change: c.2200G>A on transcript NM_021076.4 (MANE Select); coding-DNA position 2200, G replaced by A.
Protein change: p.Glu734Lys; replaces glutamic acid 734 with lysine.
Molecular consequence: missense variant.
Genome position (GRCh38, 1-based): chr22:29,489,840, G>A. VCF-style: chr22-29489840-G-A. GRCh37 (hg19) VCF-style: chr22-29885829-G-A.
Other names: short protein forms E734K.
Identifiers: ClinVar variation 1401158 (VCV001401158.7), dbSNP rs753504288, ClinGen allele CA10174373.
Genomic context (GRCh38, chr22:29,489,840, plus strand): 5'-GAAGAAGCAAAGTCCCCTGAGAAGGCCAAGTCCCCAGTGAAGGAAGAAGCAAAGACCCCC[G>A]AGAAGGCCAAGTCCCCAGTGAAGGAAGAAGCTAAGTCCCCAGAGAAGGCCAAGTCCCCAG-3'
Protein context (NP_066554.2, residues 724-744): SPVKEEAKTP[Glu734Lys]KAKSPVKEEA

ClinVar aggregate classification (germline): Uncertain significance (1 of 4 stars; one submission).

Allele frequency attached by ClinVar (database versions not stated): gnomAD exomes 0.00001; ExAC 0.00003; gnomAD 0.00005 and 0.00006; TOPMed 0.00005.
gnomAD v4.1: 17 of 1,584,338 alleles (0.0011%); highest among the groups gnomAD compares: Admixed American, 0.0035%; no homozygotes.

Submission:

Labcorp Genetics (formerly Invitae), Labcorp
Classification: Uncertain significance. Last evaluated: 2025-03-03. Review status: criteria provided, single submitter. Criteria: Invitae Variant Classification Sherloc (09022015). Collection method: clinical testing. Allele origin: germline.
Comment: This sequence change replaces glutamic acid, which is acidic and polar, with lysine, which is basic and polar, at codon 734 of the NEFH protein (p.Glu734Lys). This variant is present in population databases (rs753504288, gnomAD 0.008%). This variant has not been reported in the literature in individuals affected with NEFH-related conditions. ClinVar contains an entry for this variant (Variation ID: 1401158). Invitae Evidence Modeling of protein sequence and biophysical properties (such as structural, functional, and spatial information, amino acid conservation, physicochemical variation, residue mobility, and thermodynamic stability) indicates that this missense variant is not expected to disrupt NEFH protein function with a negative predictive value of 95%. In summary, the available evidence is currently insufficient to determine the role of this variant in disease. Therefore, it has been classified as a Variant of Uncertain Significance.